The following is an entry in ClinVar:

ClinVar aggregate classification (germline): Likely pathogenic (1 of 4 stars; one submission).

Submission:

GeneDx
Classification: Likely pathogenic. Last evaluated: 2026-03-26. Review status: criteria provided, single submitter. Criteria: GeneDx Variant Classification Process June 2021. Collection method: clinical testing. Allele origin: germline.
Comment: Frameshift variant predicted to result in abnormal protein length as the last 175 amino acid(s) are replaced with 53 different amino acid(s), and other similar variants have been reported in HGMD; Not observed at significant frequency in large population cohorts (gnomAD); Has not been previously published as pathogenic or benign to our knowledge

NM_001080517.3(SETD5):c.3802_3803del (p.Gln1268fs)

Gene: SETD5 (SET domain containing 5; plus strand). Cytogenetic location: 3p25.3.
Variant type: Microsatellite.
Coding change: c.3802_3803del on transcript NM_001080517.3 (MANE Select); coding-DNA positions 3802 to 3803, 2 bases deleted (CA; older notation c.3802_3803delCA).
Protein change: p.Gln1268fs; shifts the reading frame from glutamine 1268.
Molecular consequence: frameshift variant.
Genome position (GRCh38, 1-based): chr3:9,475,564-9,475,565, CA deleted; deleting any 2 consecutive bases within chr3:9,475,561-9,475,565 gives the same sequence; the c. name uses the placement nearest the transcript's 3' end. VCF-style (leftmost placement, unchanged base first): chr3-9475560-TAC-T. GRCh37 (hg19) VCF-style: chr3-9517244-TAC-T.
Other names: c.3508_3509del, p.Gln1170fs (NM_001292043.2, NM_001349451.2); c.3898_3899del, p.Gln1300fs (NM_001437633.1); c.3916_3917del, p.Gln1306fs (NM_001437635.1); c.3859_3860del, p.Gln1287fs (NM_001437643.1); c.3841_3842del, p.Gln1281fs (NM_001437701.1); short protein forms Q1170fs, Q1268fs, Q1281fs, Q1287fs, Q1300fs, Q1306fs.
Identifiers: ClinVar variation 5016697 (VCV005016697.1).